The following is an entry in ClinVar:

ClinVar aggregate classification (germline): Likely pathogenic (1 of 4 stars; one submission).

Conditions:
Fanconi anemia (FA). Also called: Fanconi's anemia. Identifiers: Orphanet 84, MedGen C0015625, MeSH D005199, MONDO:0019391.

Submission:

Labcorp Genetics (formerly Invitae), Labcorp
Classification: Likely pathogenic for Fanconi anemia. Last evaluated: 2019-07-26. Review status: criteria provided, single submitter. Criteria: Invitae Variant Classification Sherloc (09022015). Collection method: clinical testing. Allele origin: unknown.
Comment: In summary, the currently available evidence indicates that the variant is pathogenic, but additional data are needed to prove that conclusively. Therefore, this variant has been classified as Likely Pathogenic. This variant disrupts the p.Arg1400 amino acid residue in FANCA. Other variant(s) that disrupt this residue have been determined to be pathogenic (PMID: 21273304, 24584348, 28102861, 29098742, 15643609, 28717661). This suggests that this residue is clinically significant, and that variants that disrupt this residue are likely to be disease-causing. This variant has not been reported in the literature in individuals with FANCA-related conditions. This variant is a deletion of the genomic region encompassing exons 33-43 and part of exon 32 (c.3113_*2422delinsACAG) of the FANCA gene. While this is not anticipated to result in nonsense mediated decay, it likely alters RNA splicing and results in a disrupted protein product.

Literature cited by the submitters: PubMed 21273304; PubMed 24584348; PubMed 28102861; PubMed 29098742; PubMed 15643609; PubMed 28717661.

NC_000016.9:g.(?_89802587)_(89816264_?)del

Genes: ZNF276 (zinc finger protein 276; plus strand), FANCA (FA complementation group A; minus strand). Cytogenetic location: 16q24.3.
Variant type: Deletion.
Identifiers: ClinVar variation 3243296 (VCV003243296.1).